The following is an entry in ClinVar:

NM_007327.4(GRIN1):c.2380C>G (p.Arg794Gly)

Gene: GRIN1 (glutamate ionotropic receptor NMDA type subunit 1; plus strand). Cytogenetic location: 9q34.3.
Variant type: single nucleotide variant.
Coding change: c.2380C>G on transcript NM_007327.4 (MANE Select); coding-DNA position 2380, C replaced by G.
Protein change: p.Arg794Gly; replaces arginine 794 with glycine.
Molecular consequence: missense variant.
Genome position (GRCh38, 1-based): chr9:137,163,605, C>G. VCF-style: chr9-137163605-C-G. GRCh37 (hg19) VCF-style: chr9-140058057-C-G.
Other names: c.2380C>G, p.Arg794Gly (NM_000832.7, NM_021569.4); c.2443C>G, p.Arg815Gly (NM_001185090.2, NM_001185091.2); short protein forms R794G, R815G.
Identifiers: ClinVar variation 1481271 (VCV001481271.6), dbSNP rs1423513108, ClinGen allele CA375725433.
Genomic context (GRCh38, chr9:137,163,605, plus strand): 5'-GTTCCCACCGCCAGGTCCCACGAGAATGGCTTCATGGAAGACCTGGACAAGACGTGGGTT[C>G]GGTATCAGGAATGTGACTCGCGCAGCAACGCCCCTGCGACCCTTACTTTTGAGAACATGG-3'
Protein context (NP_015566.1, residues 784-804): FMEDLDKTWV[Arg794Gly]YQECDSRSNA

ClinVar aggregate classification (germline): Likely pathogenic (1 of 4 stars; one submission).

Conditions:
Neurodevelopmental disorder with or without hyperkinetic movements and seizures, autosomal dominant. Also called: Intellectual disability, autosomal dominant 8. Identifiers: MedGen C3280282, MONDO:0013655, OMIM 614254.

Submission:

Labcorp Genetics (formerly Invitae), Labcorp
Classification: Likely pathogenic for Neurodevelopmental disorder with or without hyperkinetic movements and seizures, autosomal dominant. Last evaluated: 2021-07-29. Review status: criteria provided, single submitter. Criteria: Invitae Variant Classification Sherloc (09022015). Collection method: clinical testing. Allele origin: germline.
Comment: In summary, the currently available evidence indicates that the variant is pathogenic, but additional data are needed to prove that conclusively. Therefore, this variant has been classified as Likely Pathogenic. This variant has not been reported in the literature in individuals affected with GRIN1-related conditions. This variant is not present in population databases (ExAC no frequency). This sequence change replaces arginine with glycine at codon 794 of the GRIN1 protein (p.Arg794Gly). The arginine residue is moderately conserved and there is a moderate physicochemical difference between arginine and glycine. Advanced modeling of protein sequence and biophysical properties (such as structural, functional, and spatial information, amino acid conservation, physicochemical variation, residue mobility, and thermodynamic stability) performed at Invitae indicates that this missense variant is expected to disrupt GRIN1 protein function. This variant disrupts the p.Arg794 amino acid residue in GRIN1. Other variant(s) that disrupt this residue have been determined to be pathogenic (PMID: 29365063). This suggests that this residue is clinically significant, and that variants that disrupt this residue are likely to be disease-causing.

Literature cited by the submitters: PubMed 29365063.